The following is an entry in ClinVar:

NM_000053.4(ATP7B):c.909T>G (p.Pro303=)

Gene: ATP7B (ATPase copper transporting beta; minus strand). Cytogenetic location: 13q14.3.
Variant type: single nucleotide variant.
Coding change: c.909T>G on transcript NM_000053.4 (MANE Select); coding-DNA position 909, T replaced by G.
Protein change: p.Pro303=; no amino-acid change (proline 303 retained).
Molecular consequence: synonymous variant. On other transcripts: intron variant (1).
Genome position (GRCh38, 1-based): chr13:51,974,311, A>C on the plus strand (T>G on the coding strand, the complement: ATP7B is on the minus strand). VCF-style: chr13-51974311-A-C. GRCh37 (hg19) VCF-style: chr13-52548447-A-C.
Other names: c.909T>G, p.Pro303= (NM_001005918.3, NM_001330578.2, NM_001330579.2); c.802+107T>G (NM_001243182.2); c.909T>G (NM_000053.3).
Identifiers: ClinVar variation 1095850 (VCV001095850.12), dbSNP rs1341159981, ClinGen allele CA484024786.

ClinVar aggregate classification (germline): Likely benign. Review status: criteria provided, multiple submitters, no conflicts (2 of 4 stars). 4 submissions from 4 submitters: Likely benign (3). 1 of the submissions does not count toward it. Last evaluated 2024-01-29.

Conditions:
Inborn genetic diseases. Identifiers: MedGen C0950123, MeSH D030342.
Wilson disease (WND). Also called: Wilson's disease. Identifiers: Orphanet 905, MedGen C0019202, MONDO:0010200, OMIM 277900. Disease mechanism: loss of function.

Allele frequency attached by ClinVar (database versions not stated): gnomAD exomes below 0.00001; TOPMed below 0.00001; gnomAD 0.00001.
gnomAD v4.1: 7 of 1,614,000 alleles (0.00043%); highest among the groups gnomAD compares: Non-Finnish European, 0.00059%; no homozygotes.

Submissions (4):

Labcorp Genetics (formerly Invitae), Labcorp
Classification: Likely benign for Wilson disease. Last evaluated: 2024-01-29. Review status: criteria provided, single submitter. Criteria: Invitae Variant Classification Sherloc (09022015). Collection method: clinical testing. Allele origin: germline.

All of Us Research Program, National Institutes of Health
Classification: Likely benign for Wilson disease. Last evaluated: 2023-11-20. Review status: criteria provided, single submitter. Criteria: ACMG Guidelines, 2015. Collection method: clinical testing. Allele origin: germline. Inheritance: Autosomal recessive inheritance. Observed: 1 variant allele, 1 heterozygote.
Comment: This study involves interpretation of variants in research participants for the purpose of population health screening. Participant phenotype was not available at the time of variant classification. Additional details can be found in publication PMID: 35346344, PMCID: PMC8962531

Ambry Genetics
Classification: Likely benign for Inborn genetic diseases. Last evaluated: 2023-01-13. Review status: criteria provided, single submitter. Criteria: Ambry Variant Classification Scheme 2023. Collection method: clinical testing. Allele origin: germline.

Natera, Inc.
Classification: Uncertain significance for Wilson disease. Last evaluated: 2025-04-10. Review status: no assertion criteria provided. Collection method: clinical testing. Allele origin: germline. Not counted in ClinVar's aggregate classification.